The following is an entry in ClinVar:

ClinVar aggregate classification (germline): Uncertain significance (1 of 4 stars; one submission).

Conditions:
Hereditary cancer-predisposing syndrome. Also called: Tumor predisposition; Neoplastic Syndromes, Hereditary; Hereditary neoplastic syndrome; Hereditary Cancer Syndrome. Identifiers: Orphanet 140162, MedGen C0027672, MeSH D009386, MONDO:0015356.

Submission:

Ambry Genetics
Classification: Uncertain significance for Hereditary cancer-predisposing syndrome. Last evaluated: 2024-11-23. Review status: criteria provided, single submitter. Criteria: Ambry Variant Classification Scheme 2023. Collection method: clinical testing. Allele origin: germline.
Comment: The p.Q694E variant (also known as c.2080C>G), located in coding exon 15 of the TSC1 gene, results from a C to G substitution at nucleotide position 2080. The glutamine at codon 694 is replaced by glutamic acid, an amino acid with highly similar properties. This amino acid position is conserved. In addition, this alteration is predicted to be deleterious by in silico analysis. Based on the available evidence, the clinical significance of this variant remains unclear.

NM_000368.5(TSC1):c.2080C>G (p.Gln694Glu)

Gene: TSC1 (TSC complex subunit 1; minus strand). Cytogenetic location: 9q34.13.
Variant type: single nucleotide variant.
Coding change: c.2080C>G on transcript NM_000368.5 (MANE Select); coding-DNA position 2080, C replaced by G.
Protein change: p.Gln694Glu; replaces glutamine 694 with glutamic acid.
Molecular consequence: missense variant. On other transcripts: non-coding transcript variant (4).
Genome position (GRCh38, 1-based): chr9:132,903,779, G>C on the plus strand (C>G on the coding strand, the complement: TSC1 is on the minus strand). VCF-style: chr9-132903779-G-C. GRCh37 (hg19) VCF-style: chr9-135779166-G-C.
Other names: c.2077C>G, p.Gln693Glu (NM_001162426.2, NM_001406597.1, NM_001406598.1 and 4 more transcripts); c.1927C>G, p.Gln643Glu (NM_001162427.2, NM_001406610.1); c.1717C>G, p.Gln573Glu (NM_001362177.2, NM_001406614.1, NM_001406615.1 and 5 more transcripts); c.2080C>G, p.Gln694Glu (NM_001406592.1, NM_001406593.1, NM_001406594.1 and 5 more transcripts); c.2065C>G, p.Gln689Glu (NM_001406601.1, NM_001406602.1); c.2062C>G, p.Gln688Glu (NM_001406603.1, NM_001406604.1); c.1924C>G, p.Gln642Glu (NM_001406611.1, NM_001406612.1, NM_001406613.1); c.1714C>G, p.Gln572Glu (NM_001406620.1, NM_001406621.1, NM_001406622.1 and 2 more transcripts); and 3 more; short protein forms Q343E, Q377E, Q642E, Q689E, Q693E, Q376E, Q573E, Q688E.
Identifiers: ClinVar variation 3462506 (VCV003462506.1).